The following is an entry in ClinVar:

NM_001367624.2(ZNF469):c.8785G>C (p.Glu2929Gln)

Gene: ZNF469 (zinc finger protein 469; plus strand). Cytogenetic location: 16q24.2.
Variant type: single nucleotide variant.
Coding change: c.8785G>C on transcript NM_001367624.2 (MANE Select); coding-DNA position 8785, G replaced by C.
Protein change: p.Glu2929Gln; replaces glutamic acid 2929 with glutamine.
Molecular consequence: missense variant.
Genome position (GRCh38, 1-based): chr16:88,436,255, G>C. VCF-style: chr16-88436255-G-C. GRCh37 (hg19) VCF-style: chr16-88502663-G-C.
Other names: NM_001127464.1:c.8701G>C; short protein forms E2929Q.
Identifiers: ClinVar variation 1189547 (VCV001189547.2), dbSNP rs578166707, ClinGen allele CA286384613.

ClinVar aggregate classification (germline): Uncertain significance (1 of 4 stars; one submission).

gnomAD v4.1: 2 of 1,549,730 alleles (0.00013%); highest among the groups gnomAD compares: African/African-American, 0.0014%; no homozygotes.

Submission:

GeneDx
Classification: Uncertain significance. Last evaluated: 2021-06-28. Review status: criteria provided, single submitter. Criteria: GeneDx Variant Classification Process June 2021. Collection method: clinical testing. Allele origin: germline. Affected: yes.
Comment: Not observed at significant frequency in large population cohorts (Lek 2006).; In silico analysis supports that this missense variant does not alter protein structure/function; Has not been previously published as pathogenic or benign to our knowledge; This variant is associated with the following publications: (PMID: 27535533)